The following is an entry in ClinVar:

NM_000257.4(MYH7):c.4353+42G>A

Genes: MHRT (myosin heavy chain associated RNA transcript; plus strand), MYH7 (myosin heavy chain 7; minus strand). Cytogenetic location: 14q11.2.
Variant type: single nucleotide variant.
Coding change: c.4353+42G>A on transcript NM_000257.4 (MANE Select); 42 bases into the intron after coding-DNA position 4353, G replaced by A.
Molecular consequence: intron variant.
Genome position (GRCh38, 1-based): chr14:23,417,461, C>T on the plus strand (G>A on the coding strand, the complement: MYH7 is on the minus strand). VCF-style: chr14-23417461-C-T. GRCh37 (hg19) VCF-style: chr14-23886670-C-T.
Identifiers: ClinVar variation 188635 (VCV000188635.4), dbSNP rs3729822, ClinGen allele CA014865.
Genomic context (GRCh38, chr14:23,417,461, plus strand): 5'-GCCCTCCTCCCCCACCTCCAAGGAGGATGGCTCTGGCCTCTCACTGAACCCCTCATGCCC[C>T]CTTGCCCTGCATGCTGGCTGCGGCCCCCACCCAGGGCCCACCTTGTCGAAGTTCCTCTGC-3'

ClinVar aggregate classification (germline): Benign. Review status: criteria provided, multiple submitters, no conflicts (2 of 4 stars). 3 submissions from 3 submitters: Benign (3). Last evaluated 2018-06-16.

Allele frequency attached by ClinVar (database versions not stated): 1000 Genomes Project 0.06809; ESP Exome Variant Server 0.06835; gnomAD exomes 0.01564 and 0.00564; gnomAD 0.05936 and 0.06369; ExAC 0.01923; TOPMed 0.06670; 1000 Genomes Project 30x 0.07324.
gnomAD v4.1: 17,654 of 1,612,164 alleles (1.1%); highest among the groups gnomAD compares: African/African-American, 20%; 1,632 homozygotes.

Submissions (3):

GeneDx
Classification: Benign. Last evaluated: 2018-06-16. Review status: criteria provided, single submitter. Criteria: GeneDx Variant Classification (06012015). Collection method: clinical testing. Allele origin: germline. Affected: yes.
Comment: This variant is considered likely benign or benign based on one or more of the following criteria: it is a conservative change, it occurs at a poorly conserved position in the protein, it is predicted to be benign by multiple in silico algorithms, and/or has population frequency not consistent with disease.

Breakthrough Genomics
Classification: Benign. Review status: criteria provided, single submitter. Criteria: ACMG Guidelines, 2015. Collection method: not provided. Allele origin: germline. Inheritance: Autosomal recessive inheritance. Affected: yes.

PreventionGenetics, part of Exact Sciences
Classification: Benign. Review status: criteria provided, single submitter. Criteria: ACMG Guidelines, 2015. Collection method: clinical testing. Allele origin: germline.